The following is an entry in ClinVar:

ClinVar aggregate classification (germline): Uncertain significance. Review status: criteria provided, multiple submitters, no conflicts (2 of 4 stars). 2 submissions from 2 submitters: Uncertain significance (2). Last evaluated 2026-04-27.

Conditions:
Familial thoracic aortic aneurysm and aortic dissection (TAAD). Also called: Thoracic aortic aneurysms and dissections. Identifiers: Orphanet 91387, MedGen C4707243, MONDO:0019625.

Submissions (2):

Ambry Genetics
Classification: Uncertain significance for Familial thoracic aortic aneurysm and aortic dissection. Last evaluated: 2026-04-27. Review status: criteria provided, single submitter. Criteria: Ambry Variant Classification Scheme 2023. Collection method: clinical testing. Allele origin: germline.
Comment: The p.R451G variant (also known as c.1351A>G), located in coding exon 8 of the TGFBR1 gene, results from an A to G substitution at nucleotide position 1351. The arginine at codon 451 is replaced by glycine, an amino acid with dissimilar properties. This amino acid position is conserved. In addition, this alteration is predicted to be deleterious by in silico analysis. Based on the available evidence, the clinical significance of this variant remains unclear.

Labcorp Genetics (formerly Invitae), Labcorp
Classification: Uncertain significance for Familial thoracic aortic aneurysm and aortic dissection. Last evaluated: 2020-11-25. Review status: criteria provided, single submitter. Criteria: Invitae Variant Classification Sherloc (09022015). Collection method: clinical testing. Allele origin: germline.
Comment: This sequence change replaces arginine with glycine at codon 451 of the TGFBR1 protein (p.Arg451Gly). The arginine residue is highly conserved and there is a moderate physicochemical difference between arginine and glycine. This variant is not present in population databases (ExAC no frequency). This variant has not been reported in the literature in individuals with TGFBR1-related conditions. Advanced modeling of protein sequence and biophysical properties (such as structural, functional, and spatial information, amino acid conservation, physicochemical variation, residue mobility, and thermodynamic stability) performed at Invitae indicates that this missense variant is expected to disrupt TGFBR1 protein function. In summary, the available evidence is currently insufficient to determine the role of this variant in disease. Therefore, it has been classified as a Variant of Uncertain Significance.

NM_004612.4(TGFBR1):c.1351A>G (p.Arg451Gly)

Gene: TGFBR1 (transforming growth factor beta receptor 1; plus strand). Cytogenetic location: 9q22.33.
Variant type: single nucleotide variant.
Coding change: c.1351A>G on transcript NM_004612.4 (MANE Select); coding-DNA position 1351, A replaced by G.
Protein change: p.Arg451Gly; replaces arginine 451 with glycine.
Molecular consequence: missense variant.
Genome position (GRCh38, 1-based): chr9:99,147,749, A>G. VCF-style: chr9-99147749-A-G. GRCh37 (hg19) VCF-style: chr9-101910031-A-G.
Other names: c.1120A>G, p.Arg374Gly (NM_001130916.3); c.1363A>G, p.Arg455Gly (NM_001306210.2); c.1351A>G (NM_004612.2); short protein forms R455G, R374G, R451G.
Identifiers: ClinVar variation 1379598 (VCV001379598.9), dbSNP rs2118840572, ClinGen allele CA16040556.